The following is an entry in ClinVar:

NM_022455.5(NSD1):c.3637A>G (p.Ile1213Val)

Gene: NSD1 (nuclear receptor binding SET domain protein 1; plus strand). Cytogenetic location: 5q35.3.
Variant type: single nucleotide variant.
Coding change: c.3637A>G on transcript NM_022455.5 (MANE Select); coding-DNA position 3637, A replaced by G.
Protein change: p.Ile1213Val; replaces isoleucine 1213 with valine.
Molecular consequence: missense variant.
Genome position (GRCh38, 1-based): chr5:177,212,036, A>G. VCF-style: chr5-177212036-A-G. GRCh37 (hg19) VCF-style: chr5-176639037-A-G.
Other names: c.2764A>G, p.Ile922Val (NM_001365684.2, NM_001409306.1, NM_001409307.1 and 3 more transcripts); c.3637A>G, p.Ile1213Val (NM_001409301.1, NM_001409302.1, NM_001409303.1); c.3217A>G, p.Ile1073Val (NM_001409304.1); c.2884A>G, p.Ile962Val (NM_001409305.1); short protein forms I1073V, I1213V, I922V, I962V.
Identifiers: ClinVar variation 2656106 (VCV002656106.25), dbSNP rs1325124846, ClinGen allele CA362326568.

ClinVar aggregate classification (germline): Uncertain significance. Review status: criteria provided, multiple submitters, no conflicts (2 of 4 stars). 2 submissions from 2 submitters: Uncertain significance (2). Last evaluated 2024-11-19.

Conditions:
Inborn genetic diseases. Identifiers: MedGen C0950123, MeSH D030342.

Submissions (2):

Ambry Genetics
Classification: Uncertain significance for Inborn genetic diseases. Last evaluated: 2024-11-19. Review status: criteria provided, single submitter. Criteria: Ambry Variant Classification Scheme 2023. Collection method: clinical testing. Allele origin: germline.

CeGaT Center for Human Genetics Tuebingen
Classification: Uncertain significance. Last evaluated: 2022-09-01. Review status: criteria provided, single submitter. Criteria: CeGaT Center For Human Genetics Tuebingen Variant Classification Criteria Version 2. Collection method: clinical testing. Allele origin: germline. Affected: yes. Observed: 1 variant allele.
Comment: NSD1: PM2, BP4